The following is an entry in ClinVar:

ClinVar aggregate classification (germline): Uncertain significance. Review status: criteria provided, multiple submitters, no conflicts (2 of 4 stars). 2 submissions from 2 submitters: Uncertain significance (2). Last evaluated 2024-09-01.

Conditions:
Inborn genetic diseases. Identifiers: MedGen C0950123, MeSH D030342.

Submissions (2):

CeGaT Center for Human Genetics Tuebingen
Classification: Uncertain significance. Last evaluated: 2024-09-01. Review status: criteria provided, single submitter. Criteria: CeGaT Center For Human Genetics Tuebingen Variant Classification Criteria Version 2. Collection method: clinical testing. Allele origin: germline. Affected: yes. Observed: 1 variant allele.
Comment: LRRK2: PM2, BP4

Ambry Genetics
Classification: Uncertain significance for Inborn genetic diseases. Last evaluated: 2021-11-02. Review status: criteria provided, single submitter. Criteria: Ambry Variant Classification Scheme 2023. Collection method: clinical testing. Allele origin: germline.
Comment: The p.L377I variant (also known as c.1129C>A), located in coding exon 10 of the LRRK2 gene, results from a C to A substitution at nucleotide position 1129. The leucine at codon 377 is replaced by isoleucine, an amino acid with highly similar properties. This amino acid position is conserved. In addition, this alteration is predicted to be tolerated by in silico analysis. Since supporting evidence is limited at this time, the clinical significance of this alteration remains unclear.

NM_198578.4(LRRK2):c.1129C>A (p.Leu377Ile)

Gene: LRRK2 (leucine rich repeat kinase 2; plus strand). Cytogenetic location: 12q12.
Variant type: single nucleotide variant.
Coding change: c.1129C>A on transcript NM_198578.4 (MANE Select); coding-DNA position 1129, C replaced by A.
Protein change: p.Leu377Ile; replaces leucine 377 with isoleucine.
Molecular consequence: missense variant.
Genome position (GRCh38, 1-based): chr12:40,251,492, C>A. VCF-style: chr12-40251492-C-A. GRCh37 (hg19) VCF-style: chr12-40645294-C-A.
Other names: short protein forms L377I.
Identifiers: ClinVar variation 1727648 (VCV001727648.16), dbSNP rs2499505449, ClinGen allele CA384408090.
Genomic context (GRCh38, chr12:40,251,492, plus strand): 5'-TTTGACAGATTTCTTTTTTCTCCCCTAATCCAGGAGGCCGCATGCTGGGCACTAAATAAT[C>A]TCCTTATGTACCAAAACAGTTTACATGAGAAGATTGGAGATGAAGATGGCCAGTTAGTAG-3'
Protein context (NP_940980.4, residues 367-387): QEAACWALNN[Leu377Ile]LMYQNSLHEK